The following is an entry in ClinVar:

ClinVar aggregate classification (germline): Likely benign. Review status: criteria provided, multiple submitters, no conflicts (2 of 4 stars). 2 submissions from 2 submitters: Likely benign (2). Last evaluated 2025-08-01.

Conditions:
Hereditary cancer-predisposing syndrome. Also called: Hereditary Cancer Syndrome; Neoplastic Syndromes, Hereditary; Tumor predisposition; Hereditary neoplastic syndrome. Identifiers: Orphanet 140162, MedGen C0027672, MeSH D009386, MONDO:0015356.
Neurofibromatosis, type 1 (NF1). Also called: Neurofibromatosis, type I; VON RECKLINGHAUSEN DISEASE; NEUROFIBROMATOSIS, TYPE I, SOMATIC; Peripheral type neurofibromatosis. Identifiers: Orphanet 636, MedGen C0027831, MONDO:0018975, OMIM 162200. Disease mechanism: loss of function.

Allele frequency attached by ClinVar (database versions not stated): gnomAD exomes below 0.00001.
gnomAD v4.1: 2 of 1,603,904 alleles (0.00012%); highest among the groups gnomAD compares: Non-Finnish European, 0.00017%; no homozygotes.

Submissions (2):

Labcorp Genetics (formerly Invitae), Labcorp
Classification: Likely benign for Neurofibromatosis, type 1. Last evaluated: 2025-08-01. Review status: criteria provided, single submitter. Criteria: Invitae Variant Classification Sherloc (09022015). Collection method: clinical testing. Allele origin: germline.

Ambry Genetics
Classification: Likely benign for Hereditary cancer-predisposing syndrome. Last evaluated: 2015-07-23. Review status: criteria provided, single submitter. Criteria: Ambry Autosomal Dominant and X-Linked criteria (10/2015). Collection method: clinical testing. Allele origin: germline. Observed: 1 variant allele.
Comment: In silico models in agreement (benign);Synonymous alterations with insufficient evidence to classify as benign

NM_001042492.3(NF1):c.5805C>T (p.Ser1935=)

Gene: NF1 (neurofibromin 1; plus strand). Cytogenetic location: 17q11.2.
Variant type: single nucleotide variant.
Coding change: c.5805C>T on transcript NM_001042492.3 (MANE Select); coding-DNA position 5805, C replaced by T.
Protein change: p.Ser1935=; no amino-acid change (serine 1935 retained).
Molecular consequence: synonymous variant.
Genome position (GRCh38, 1-based): chr17:31,330,491, C>T. VCF-style: chr17-31330491-C-T. GRCh37 (hg19) VCF-style: chr17-29657509-C-T.
Other names: c.5742C>T, p.Ser1914= (NM_000267.4).
Identifiers: ClinVar variation 233083 (VCV000233083.8), dbSNP rs876660179, ClinGen allele CA10580358.